The following is an entry in ClinVar:

NM_002335.4(LRP5):c.4111+3G>A

Gene: LRP5 (LDL receptor related protein 5; plus strand). Cytogenetic location: 11q13.2.
Variant type: single nucleotide variant.
Coding change: c.4111+3G>A on transcript NM_002335.4 (MANE Select); 3 bases into the intron after coding-DNA position 4111, G replaced by A.
Molecular consequence: intron variant.
Genome position (GRCh38, 1-based): chr11:68,437,002, G>A. VCF-style: chr11-68437002-G-A. GRCh37 (hg19) VCF-style: chr11-68204470-G-A.
Other names: c.4111+3G>A (NM_002335.3); c.2368+3G>A (NM_001291902.2).
Identifiers: ClinVar variation 2969130 (VCV002969130.7), dbSNP rs1003494389, ClinGen allele CA224253175.

ClinVar aggregate classification (germline): Uncertain significance. Review status: criteria provided, multiple submitters, no conflicts (2 of 4 stars). 4 submissions from 4 submitters: Uncertain significance (3). 1 of the submissions does not count toward it. Last evaluated 2025-12-18.

Conditions:
Autosomal dominant osteopetrosis 1 (OPTA1). Also called: OSTEOPETROSIS, AUTOSOMAL DOMINANT, TYPE I. Identifiers: Orphanet 2783, MedGen C1843330, MONDO:0011877, OMIM 607634.
Bone mineral density quantitative trait locus 1 (BMND1). Identifiers: MedGen C1866079, OMIM 601884.
Exudative vitreoretinopathy 4 (EVR4). Identifiers: Orphanet 891, MedGen C1866176, MONDO:0011151, OMIM 601813.
Polycystic liver disease 4 with or without kidney cysts. Identifiers: MedGen C4693479, MONDO:0044327, OMIM 617875.
Osteoporosis with pseudoglioma (OPPG). Also called: osteoporosis-pseudoglioma syndrome. Identifiers: Orphanet 2788, MedGen C0432252, MONDO:0009820, OMIM 259770.
Worth disease. Also called: Autosomal dominant osteosclerosis, Worth type; ENDOSTEAL HYPEROSTOSIS, AUTOSOMAL DOMINANT; OSTEOSCLEROSIS, AUTOSOMAL DOMINANT. Identifiers: Orphanet 2790, MedGen C0432273, MONDO:0007764, OMIM 144750.
LRP5-related disorder. Also called: LRP5-related condition.

Allele frequency attached by ClinVar (database versions not stated): gnomAD 0.00002; gnomAD exomes 0.00002; TOPMed 0.00002.
gnomAD v4.1: 37 of 1,612,690 alleles (0.0023%); highest among the groups gnomAD compares: Non-Finnish European, 0.0031%; no homozygotes.

Submissions (4):

Labcorp Genetics (formerly Invitae), Labcorp
Classification: Uncertain significance. Last evaluated: 2025-12-18. Review status: criteria provided, single submitter. Criteria: Invitae Variant Classification Sherloc (09022015). Collection method: clinical testing. Allele origin: germline.
Comment: This sequence change falls in intron 19 of the LRP5 gene. It does not directly change the encoded amino acid sequence of the LRP5 protein. It affects a nucleotide within the consensus splice site. This variant is present in population databases (no rsID available, gnomAD 0.002%). This variant has not been reported in the literature in individuals affected with LRP5-related conditions. ClinVar contains an entry for this variant (Variation ID: 2969130). Variants that disrupt the consensus splice site are a relatively common cause of aberrant splicing (PMID: 17576681, 9536098). Algorithms developed to predict the effect of sequence changes on RNA splicing suggest that this variant is not likely to affect RNA splicing. In summary, the available evidence is currently insufficient to determine the role of this variant in disease. Therefore, it has been classified as a Variant of Uncertain Significance.

Fulgent Genetics
Classification: Uncertain significance for Worth disease; Osteoporosis with pseudoglioma; Exudative vitreoretinopathy 4; Bone mineral density quantitative trait locus 1; Autosomal dominant osteopetrosis 1; Polycystic liver disease 4 with or without kidney cysts. Last evaluated: 2024-06-11. Review status: criteria provided, single submitter. Criteria: ACMG Guidelines, 2015. Collection method: clinical testing. Allele origin: germline.

Blueprint Genetics
Classification: Uncertain significance. Last evaluated: 2022-10-31. Review status: criteria provided, single submitter. Criteria: ACMG Guidelines, 2015. Collection method: clinical testing. Allele origin: germline.

PreventionGenetics, part of Exact Sciences
Classification: Likely benign for LRP5-related condition. Last evaluated: 2024-02-27. Review status: no assertion criteria provided. Collection method: clinical testing. Allele origin: germline. Not counted in ClinVar's aggregate classification.
Comment: This variant is classified as likely benign based on ACMG/AMP sequence variant interpretation guidelines (Richards et al. 2015 PMID: 25741868, with internal and published modifications).

Literature cited by the submitters: PubMed 17576681 (cited by Labcorp Genetics (formerly Invitae), Labcorp); PubMed 9536098 (cited by Labcorp Genetics (formerly Invitae), Labcorp).